The following is an entry in ClinVar:

NM_001123385.2(BCOR):c.37A>G (p.Ser13Gly)

Gene: BCOR (BCL6 corepressor; minus strand). Cytogenetic location: Xp11.4.
Variant type: single nucleotide variant.
Coding change: c.37A>G on transcript NM_001123385.2 (MANE Select); coding-DNA position 37, A replaced by G.
Protein change: p.Ser13Gly; replaces serine 13 with glycine.
Molecular consequence: missense variant.
Genome position (GRCh38, 1-based): chrX:40,077,893, T>C on the plus strand (A>G on the coding strand, the complement: BCOR is on the minus strand). VCF-style: chrX-40077893-T-C. GRCh37 (hg19) VCF-style: chrX-39937146-T-C.
Other names: c.37A>G, p.Ser13Gly (NM_001123383.2, NM_001123384.2, NM_017745.6); short protein forms S13G.
Identifiers: ClinVar variation 936130 (VCV000936130.10), dbSNP rs1935888587, ClinGen allele CA412749680.
Genomic context (GRCh38, chrX:40,077,893, plus strand): 5'-GGCGCATTCACCTGTCTTCGCTCGCCCCACACATGCGGACCCTCTCGCTGTTCATCCAGC[T>C]GTGAACGTTCCCATACAGGGGGGTTGCTGAGAGCATGTCGTCTTCTGGGATGGCAGCTTT-3'
Protein context (NP_001116857.1, residues 3-23): SATPLYGNVH[Ser13Gly]WMNSERVRMC

ClinVar aggregate classification (germline): Uncertain significance. Review status: criteria provided, multiple submitters, no conflicts (2 of 4 stars). 2 submissions from 2 submitters: Uncertain significance (2). Last evaluated 2023-04-28.

Conditions:
Oculofaciocardiodental syndrome (MCOPS2). Identifiers: Orphanet 2712, MedGen C1846265, MONDO:0010261, OMIM 300166.

Allele frequency attached by ClinVar (database versions not stated): TOPMed below 0.00001.

Submissions (2):

GeneDx
Classification: Uncertain significance. Last evaluated: 2023-04-28. Review status: criteria provided, single submitter. Criteria: GeneDx Variant Classification Process June 2021. Collection method: clinical testing. Allele origin: germline. Affected: yes.
Comment: Not observed at significant frequency in large population cohorts (gnomAD); In silico analysis supports that this missense variant has a deleterious effect on protein structure/function; Has not been previously published as pathogenic or benign to our knowledge

Labcorp Genetics (formerly Invitae), Labcorp
Classification: Uncertain significance for Oculofaciocardiodental syndrome. Last evaluated: 2019-10-15. Review status: criteria provided, single submitter. Criteria: Invitae Variant Classification Sherloc (09022015). Collection method: clinical testing. Allele origin: germline.
Comment: In summary, the available evidence is currently insufficient to determine the role of this variant in disease. Therefore, it has been classified as a Variant of Uncertain Significance. Algorithms developed to predict the effect of missense changes on protein structure and function (SIFT, PolyPhen-2, Align-GVGD) all suggest that this variant is likely to be disruptive, but these predictions have not been confirmed by published functional studies and their clinical significance is uncertain. This variant has not been reported in the literature in individuals with BCOR-related conditions. This variant is not present in population databases (ExAC no frequency). This sequence change replaces serine with glycine at codon 13 of the BCOR protein (p.Ser13Gly). The serine residue is highly conserved and there is a small physicochemical difference between serine and glycine.